The following is an entry in ClinVar:

ClinVar aggregate classification (germline): Pathogenic/Likely pathogenic. Review status: criteria provided, multiple submitters, no conflicts (2 of 4 stars). 2 submissions from 2 submitters: Pathogenic (1); Likely pathogenic (1). Last evaluated 2026-09-01.

Conditions:
Renal tubulopathies.
TRPM6-related disorder. Also called: TRPM6-related condition.

gnomAD v4.1: 2 of 1,599,348 alleles (0.00013%); highest among the groups gnomAD compares: Non-Finnish European, 0.00017%; no homozygotes.

Submissions (2):

Genetics Laboratory, Great Ormond Street Hospital NHS Foundation Trust, North Thames Genomic Laboratory Hub
Classification: Pathogenic for Renal tubulopathies. Last evaluated: 2026-09-01. Review status: criteria provided, single submitter. Criteria: ACGS Best Practice Guidelines for Variant Classification in Rare Disease 2024 v1.2. Collection method: clinical testing. Allele origin: germline. Affected: yes.
Comment: PM2_moderate, PVS1_very-strong, PM3_supporting, PP4_supporting

Blueprint Genetics
Classification: Likely pathogenic for TRPM6-related disorders. Last evaluated: 2024-10-16. Review status: criteria provided, single submitter. Criteria: ACMG Guidelines, 2015. Collection method: clinical testing. Allele origin: germline. Affected: yes. Observed: 1 variant allele.

NM_017662.5(TRPM6):c.331-2A>G

Gene: TRPM6 (transient receptor potential cation channel subfamily M member 6; minus strand). Cytogenetic location: 9q21.13.
Variant type: single nucleotide variant.
Coding change: c.331-2A>G on transcript NM_017662.5 (MANE Select); the canonical splice acceptor site of the intron before coding-DNA position 331, A replaced by G.
Molecular consequence: splice acceptor variant.
Genome position (GRCh38, 1-based): chr9:74,840,239, T>C on the plus strand (A>G on the coding strand, the complement: TRPM6 is on the minus strand). VCF-style: chr9-74840239-T-C. GRCh37 (hg19) VCF-style: chr9-77455155-T-C.
Other names: c.316-2A>G (NM_001177310.2, NM_001177311.2).
Identifiers: ClinVar variation 4903385 (VCV004903385.2).
Genomic context (GRCh38, chr9:74,840,239, plus strand): 5'-TCTTTCAACATTAAATGTAACAGATGATCCAGTTTTGTATCATAAGAAGTTCTAATATAC[T>C]GCAAGAAAAGCACATGTAGGTGAACAGAACATTGTAAAAAAGTTATGCCAGGCACAGAAA-3'